The following is an entry in ClinVar:

NM_000059.4(BRCA2):c.422A>G (p.Glu141Gly)

Gene: BRCA2 (BRCA2 DNA repair associated; plus strand). Cytogenetic location: 13q13.1.
Variant type: single nucleotide variant.
Coding change: c.422A>G on transcript NM_000059.4 (MANE Select); coding-DNA position 422, A replaced by G.
Protein change: p.Glu141Gly; replaces glutamic acid 141 with glycine.
Molecular consequence: missense variant. On other transcripts: non-coding transcript variant (1).
Genome position (GRCh38, 1-based): chr13:32,325,181, A>G. VCF-style: chr13-32325181-A-G. GRCh37 (hg19) VCF-style: chr13-32899318-A-G.
Other names: c.422A>G, p.Glu141Gly (NM_001406719.1, NM_001406720.1, NM_001406721.1); c.53A>G, p.Glu18Gly (NM_001406722.1); short protein forms E18G, E141G.
Identifiers: ClinVar variation 3261528 (VCV003261528.1).
Genomic context (GRCh38, chr13:32,325,181, plus strand): 5'-AAACTAAAATGGATCAAGCAGATGATGTTTCCTGTCCACTTCTAAATTCTTGTCTTAGTG[A>G]AAGGTATGATGAAGCTATTATATTAAAATATTTAAATGAAACATTTTCCTACATATATTT-3'
Protein context (NP_000050.3, residues 131-151): SCPLLNSCLS[Glu141Gly]SPVVLQCTHV

ClinVar aggregate classification (germline): Uncertain significance (1 of 4 stars; one submission).

Conditions:
Hereditary cancer-predisposing syndrome. Also called: Hereditary Cancer Syndrome; Tumor predisposition; Hereditary neoplastic syndrome; Neoplastic Syndromes, Hereditary. Identifiers: Orphanet 140162, MedGen C0027672, MeSH D009386, MONDO:0015356.

Submission:

Ambry Genetics
Classification: Uncertain significance for Hereditary cancer-predisposing syndrome. Last evaluated: 2024-04-19. Review status: criteria provided, single submitter. Criteria: Ambry Variant Classification Scheme 2023. Collection method: clinical testing. Allele origin: germline.
Comment: The p.E141G variant (also known as c.422A>G), located in coding exon 3 of the BRCA2 gene, results from an A to G substitution at nucleotide position 422. The glutamic acid at codon 141 is replaced by glycine, an amino acid with similar properties. This amino acid position is conserved. In addition, this alteration is predicted to be tolerated by in silico analysis. Based on the available evidence, the clinical significance of this variant remains unclear.